The following is an entry in ClinVar:

NM_001374353.1(GLI2):c.2284C>T (p.Pro762Ser)

Gene: GLI2 (GLI family zinc finger 2; plus strand). Cytogenetic location: 2q14.2.
Variant type: single nucleotide variant.
Coding change: c.2284C>T on transcript NM_001374353.1 (MANE Select); coding-DNA position 2284, C replaced by T.
Protein change: p.Pro762Ser; replaces proline 762 with serine.
Molecular consequence: missense variant.
Genome position (GRCh38, 1-based): chr2:120,988,249, C>T. VCF-style: chr2-120988249-C-T. GRCh37 (hg19) VCF-style: chr2-121745825-C-T.
Other names: c.2335C>T, p.Pro779Ser (NM_001371271.1, NM_005270.5); c.1909C>T, p.Pro637Ser (NM_001374354.1); c.2335C>T (NM_005270.4); short protein forms P779S, P637S, P762S.
Identifiers: ClinVar variation 439759 (VCV000439759.10), dbSNP rs773216992, ClinGen allele CA1852203.
Genomic context (GRCh38, chr2:120,988,249, plus strand): 5'-CCCCTCTGCTCTCCCGCAGGCTCCATCCTGGAAAACTTCAGTGGCAGTGGGGGCGGCGGG[C>T]CCGCGGGGCTGCTGCCGAACCCGCGGCTGTCGGAGCTGTCCGCGAGCGAGGTGACCATGC-3'
Protein context (NP_001361282.1, residues 752-772): ENFSGSGGGG[Pro762Ser]AGLLPNPRLS

ClinVar aggregate classification (germline): Uncertain significance. Review status: criteria provided, multiple submitters, no conflicts (2 of 4 stars). 2 submissions from 2 submitters: Uncertain significance (2). Last evaluated 2025-09-22.

Conditions:
GLI2-related disorder. Also called: GLI2-related disorders; GLI2-related condition.

Allele frequency attached by ClinVar (database versions not stated): gnomAD exomes below 0.00001 and 0.00001; ExAC 0.00001; gnomAD 0.00002; TOPMed 0.00002.
gnomAD v4.1: 10 of 1,575,336 alleles (0.00063%); highest among the groups gnomAD compares: African/African-American, 0.012%; no homozygotes.

Submissions (2):

PreventionGenetics, part of Exact Sciences
Classification: Uncertain significance for GLI2-related condition. Last evaluated: 2025-09-22. Review status: criteria provided, single submitter. Criteria: ACMG Guidelines, 2015. Collection method: clinical testing. Allele origin: germline.
Comment: The GLI2 c.2335C>T variant is predicted to result in the amino acid substitution p.Pro779Ser. To our knowledge, this variant has not been reported in the literature. This variant is reported in 0.0088% of alleles in individuals of African descent in gnomAD. At this time, the clinical significance of this variant is uncertain due to the absence of conclusive functional and genetic evidence.

ARUP Laboratories, Molecular Genetics and Genomics, ARUP Laboratories
Classification: Uncertain significance. Last evaluated: 2016-10-14. Review status: criteria provided, single submitter. Criteria: ARUP Molecular Germline Variant Investigation Process. Collection method: clinical testing. Allele origin: germline.